The following is an entry in ClinVar:

ClinVar aggregate classification (germline): Pathogenic (1 of 4 stars; one submission).

Submission:

Labcorp Genetics (formerly Invitae), Labcorp
Classification: Pathogenic. Last evaluated: 2021-10-15. Review status: criteria provided, single submitter. Criteria: Invitae Variant Classification Sherloc (09022015). Collection method: clinical testing. Allele origin: germline.
Comment: For these reasons, this variant has been classified as Pathogenic. This variant has not been reported in the literature in individuals affected with PLK4-related conditions. This variant is not present in population databases (ExAC no frequency). This sequence change creates a premature translational stop signal (p.Pro107Metfs*34) in the PLK4 gene. It is expected to result in an absent or disrupted protein product. Loss-of-function variants in PLK4 are known to be pathogenic (PMID: 25320347, 30842647).

Literature cited by the submitters: PubMed 25320347; PubMed 30842647.

NM_014264.5(PLK4):c.319_331del (p.Pro107fs)

Gene: PLK4 (polo like kinase 4; plus strand). Cytogenetic location: 4q28.1.
Variant type: Deletion.
Coding change: c.319_331del on transcript NM_014264.5 (MANE Select); coding-DNA positions 319 to 331, 13 bases deleted (CCCTTCTCAGAAA).
Protein change: p.Pro107fs; shifts the reading frame from proline 107.
Molecular consequence: frameshift variant.
Genome position (GRCh38, 1-based): chr4:127,883,535-127,883,547, CCCTTCTCAGAAA deleted; deleting any 13 consecutive bases within chr4:127,883,531-127,883,547 gives the same sequence; the c. name uses the placement nearest the transcript's 3' end. VCF-style (leftmost placement, unchanged base first): chr4-127883530-TGAAACCCTTCTCA-T. GRCh37 (hg19) VCF-style: chr4-128804685-TGAAACCCTTCTCA-T.
Other names: c.223_235del, p.Pro75fs (NM_001190799.2); c.196_208del, p.Pro66fs (NM_001190801.2); short protein forms P75fs, P66fs, P107fs.
Identifiers: ClinVar variation 1455498 (VCV001455498.6), dbSNP rs2148816212, ClinGen allele CA2573138043.